The following is an entry in ClinVar:

NM_057176.3(BSND):c.102C>T (p.Tyr34=)

Gene: BSND (barttin CLCNK type accessory subunit beta; plus strand). Cytogenetic location: 1p32.3.
Variant type: single nucleotide variant.
Coding change: c.102C>T on transcript NM_057176.3 (MANE Select); coding-DNA position 102, C replaced by T.
Protein change: p.Tyr34=; no amino-acid change (tyrosine 34 retained).
Molecular consequence: synonymous variant.
Genome position (GRCh38, 1-based): chr1:54,999,288, C>T. VCF-style: chr1-54999288-C-T. GRCh37 (hg19) VCF-style: chr1-55464961-C-T.
Identifiers: ClinVar variation 227188 (VCV000227188.28), dbSNP rs141403253, ClinGen allele CA871217.

ClinVar aggregate classification (germline): Conflicting classifications of pathogenicity. Review status: criteria provided, conflicting classifications (1 of 4 stars). 8 submissions from 8 submitters: Uncertain significance (2); Likely benign (5). 1 of the submissions does not count toward it. Last evaluated 2026-01-25.

Conditions:
BSND-related disorder. Also called: BSND-related condition.
Bartter syndrome. Identifiers: Orphanet 112, MedGen C0004775, MONDO:0015231.
Bartter disease type 4A. Also called: BARTTER SYNDROME, TYPE 4A, NEONATAL, WITH SENSORINEURAL DEAFNESS; BARTTER SYNDROME, NEONATAL, WITH SENSORINEURAL DEAFNESS. Identifiers: Orphanet 112, MedGen C1865270, MONDO:0011242, OMIM 602522.

Allele frequency attached by ClinVar (database versions not stated): ESP Exome Variant Server 0.00008; gnomAD 0.00013 and 0.00014; TOPMed 0.00014; 1000 Genomes Project 30x 0.00016; 1000 Genomes Project 0.00020; gnomAD exomes 0.00020 and 0.00025; ExAC 0.00031.
gnomAD v4.1: 312 of 1,614,108 alleles (0.019%); highest among the groups gnomAD compares: South Asian, 0.057%; 1 homozygote.

Submissions (8):

Labcorp Genetics (formerly Invitae), Labcorp
Classification: Likely benign. Last evaluated: 2026-01-25. Review status: criteria provided, single submitter. Criteria: Invitae Variant Classification Sherloc (09022015). Collection method: clinical testing. Allele origin: germline.

PreventionGenetics, part of Exact Sciences
Classification: Likely benign for BSND-related condition. Last evaluated: 2025-03-26. Review status: criteria provided, single submitter. Criteria: ACMG Guidelines, 2015. Collection method: clinical testing. Allele origin: germline.
Comment: This variant is classified as likely benign based on ACMG/AMP sequence variant interpretation guidelines (Richards et al. 2015 PMID: 25741868, with internal and published modifications).

Blueprint Genetics
Classification: Likely benign. Last evaluated: 2024-10-09. Review status: criteria provided, single submitter. Criteria: ACMG Guidelines, 2015. Collection method: clinical testing. Allele origin: germline.

GeneDx
Classification: Likely benign. Last evaluated: 2021-06-25. Review status: criteria provided, single submitter. Criteria: GeneDx Variant Classification Process June 2021. Collection method: clinical testing. Allele origin: germline. Affected: yes.

Illumina Laboratory Services, Illumina
Classification: Uncertain significance for Bartter disease type 4A. Last evaluated: 2018-01-12. Review status: criteria provided, single submitter. Criteria: ICSL Variant Classification Criteria 13 December 2019. Collection method: clinical testing. Allele origin: germline.

Laboratory for Molecular Medicine, Mass General Brigham Personalized Medicine
Classification: Likely benign. Last evaluated: 2017-06-22. Review status: criteria provided, single submitter. Criteria: LMM Criteria. Collection method: clinical testing. Allele origin: germline. Observed: 2 variant alleles.
Comment: p.Tyr34Tyr in exon 1 of BSND: This variant is not expected to have clinical sign ificance because it does not alter an amino acid residue and is not located with in the splice consensus sequence. It has also been identified in 67/277094 chrom osomes by the genome Aggregation Database (gnomAD. org; dbSNP rs141403253).

Eurofins Ntd Llc (ga)
Classification: Uncertain significance. Last evaluated: 2016-04-29. Review status: criteria provided, single submitter. Criteria: EGL Classification Definitions 2015. Collection method: clinical testing. Allele origin: germline. Observed: 1 variant allele, 1 heterozygote.

Natera, Inc.
Classification: Likely benign for Bartter syndrome. Last evaluated: 2020-01-07. Review status: no assertion criteria provided. Collection method: clinical testing. Allele origin: germline. Not counted in ClinVar's aggregate classification.